The following is an entry in ClinVar:

NM_012144.4(DNAI1):c.791_799del (p.Arg264_Leu266del)

Gene: DNAI1 (dynein axonemal intermediate chain 1; plus strand). Cytogenetic location: 9p13.3.
Variant type: Deletion.
Coding change: c.791_799del on transcript NM_012144.4 (MANE Select); coding-DNA positions 791 to 799, 9 bases deleted (GGAAGCTGA; older notation c.791_799delGGAAGCTGA).
Protein change: p.Arg264_Leu266del.
Molecular consequence: inframe deletion.
Genome position (GRCh38, 1-based): chr9:34,493,303-34,493,311, GGAAGCTGA deleted; deleting any 9 consecutive bases within chr9:34,493,300-34,493,311 gives the same sequence; the c. name uses the placement nearest the transcript's 3' end. VCF-style (leftmost placement, unchanged base first): chr9-34493299-ATGAGGAAGC-A. GRCh37 (hg19) VCF-style: chr9-34493297-ATGAGGAAGC-A.
Other names: c.803_811del, p.Arg268_Leu270del (NM_001281428.2).
Identifiers: ClinVar variation 5003748 (VCV005003748.1).

ClinVar aggregate classification (germline): Uncertain significance (1 of 4 stars; one submission).

Conditions:
Kartagener syndrome (CILD1). Also called: POLYNESIAN BRONCHIECTASIS; CILIARY DYSKINESIA, PRIMARY, 1; CILIARY DYSKINESIA, PRIMARY, 1, WITH OR WITHOUT SITUS INVERSUS; IMMOTILE CILIA SYNDROME; Dextrocardia bronchiectasis and sinusitis; SIEWERT SYNDROME. Identifiers: Orphanet 244, MedGen C4551906, MONDO:0009484, OMIM 244400.

Submission:

Myriad Genetics, Inc.
Classification: Uncertain significance for Kartagener syndrome. Last evaluated: 2026-06-26. Review status: criteria provided, single submitter. Criteria: Myriad Autosomal Dominant, Autosomal Recessive and X-Linked Classification Criteria (2023). Collection method: clinical testing. Allele origin: unknown.
Comment: NM_012144.2(DNAI1):c.791_799del9(R264_L266del) is an in-frame deletion classified as a variant of uncertain significance in the context of primary ciliary dyskinesia, DNAI1-related. R264_L266del has not been observed in cases with relevant disease. Relevant functional assessments of this variant are not available in the literature. R264_L266del has not been observed in referenced population frequency databases. In summary, there is insufficient evidence to classify NM_012144.2(DNAI1):c.791_799del9(R264_L266del) as pathogenic or benign. Please note: this variant was assessed in the context of healthy population screening.